The following is an entry in ClinVar:

ClinVar aggregate classification (germline): Conflicting classifications of pathogenicity. Review status: criteria provided, conflicting classifications (1 of 4 stars). 7 submissions from 7 submitters: Uncertain significance (1); Benign (1); Likely benign (5). Last evaluated 2025-12-17.

Conditions:
Ehlers-Danlos syndrome (EDS). Identifiers: Orphanet 98249, MedGen C0013720, MONDO:0020066.
Familial thoracic aortic aneurysm and aortic dissection (TAAD). Also called: Thoracic aortic aneurysms and dissections. Identifiers: Orphanet 91387, MedGen C4707243, MONDO:0019625.
Congenital contractural arachnodactyly (CCA). Also called: BEALS SYNDROME; Beals-Hecht syndrome; Arthrogryposis, distal, type 9. Identifiers: Orphanet 115, MedGen C0220668, MONDO:0007363, OMIM 121050.

Allele frequency attached by ClinVar (database versions not stated): ESP Exome Variant Server 0.00008; TOPMed 0.00020; gnomAD 0.00038 and 0.00040; gnomAD exomes 0.00052 and 0.00072; ExAC 0.00100.
gnomAD v4.1: 802 of 1,613,838 alleles (0.05%); highest among the groups gnomAD compares: Admixed American, 0.053%; no homozygotes.

Submissions (7):

Labcorp Genetics (formerly Invitae), Labcorp
Classification: Likely benign for Congenital contractural arachnodactyly. Last evaluated: 2025-12-17. Review status: criteria provided, single submitter. Criteria: Invitae Variant Classification Sherloc (09022015). Collection method: clinical testing. Allele origin: germline.

Blueprint Genetics
Classification: Likely benign. Last evaluated: 2024-09-09. Review status: criteria provided, single submitter. Criteria: ACMG Guidelines, 2015. Collection method: clinical testing. Allele origin: germline.

CeGaT Center for Human Genetics Tuebingen
Classification: Likely benign. Last evaluated: 2022-10-01. Review status: criteria provided, single submitter. Criteria: CeGaT Center For Human Genetics Tuebingen Variant Classification Criteria Version 2. Collection method: clinical testing. Allele origin: germline. Affected: yes. Observed: 1 variant allele.
Comment: FBN2: BS1

Genome Diagnostics Laboratory, The Hospital for Sick Children
Classification: Likely benign for Ehlers-Danlos syndrome. Last evaluated: 2022-07-11. Review status: criteria provided, single submitter. Criteria: ACMG Guidelines, 2015. Collection method: clinical testing. Allele origin: germline.

Ambry Genetics
Classification: Likely benign for Familial thoracic aortic aneurysm and aortic dissection. Last evaluated: 2019-05-06. Review status: criteria provided, single submitter. Criteria: Ambry Variant Classification Scheme 2023. Collection method: clinical testing. Allele origin: germline.

Illumina Laboratory Services, Illumina
Classification: Benign for Congenital contractural arachnodactyly. Last evaluated: 2017-09-13. Review status: criteria provided, single submitter. Criteria: ICSL Variant Classification Criteria 13 December 2019. Collection method: clinical testing. Allele origin: germline.
Comment: This variant was observed as part of a predisposition screen in an ostensibly healthy population. A literature search was performed for the gene, cDNA change, and amino acid change (where applicable). Publications were found based on this search. The evidence from the literature, in combination with allele frequency data from public databases where available, was sufficient to rule this variant out of causing disease. Therefore, this variant is classified as benign.

GeneDx
Classification: Uncertain significance. Last evaluated: 2016-10-14. Review status: criteria provided, single submitter. Criteria: GeneDx Variant Classification (06012015). Collection method: clinical testing. Allele origin: germline. Affected: yes.
Comment: The T1416A variant in the FBN2 gene has not been reported previously as a pathogenic variant, nor as a benign variant, to our knowledge. The T1416A variant was observed on 0.27% alleles from individuals of Finnish background in the Exome Aggregation Consortium (ExAC) data set. The T1416A variant is a non-conservative amino acid substitution, which is likely to impact secondary protein structure as these residues differ in polarity, charge, size and/or other properties. This substitution occurs at a position that is conserved in mammals. In silico analysis predicts this variant is probably damaging to the protein structure/function. We interpret T1416A as a variant of uncertain significance.

Literature cited by the submitters: PubMed 24899048 (cited by Illumina Laboratory Services, Illumina).

NM_001999.4(FBN2):c.4246A>G (p.Thr1416Ala)

Gene: FBN2 (fibrillin 2; minus strand). Cytogenetic location: 5q23.3.
Variant type: single nucleotide variant.
Coding change: c.4246A>G on transcript NM_001999.4 (MANE Select); coding-DNA position 4246, A replaced by G.
Protein change: p.Thr1416Ala; replaces threonine 1416 with alanine.
Molecular consequence: missense variant.
Genome position (GRCh38, 1-based): chr5:128,330,672, T>C on the plus strand (A>G on the coding strand, the complement: FBN2 is on the minus strand). VCF-style: chr5-128330672-T-C. GRCh37 (hg19) VCF-style: chr5-127666364-T-C.
Other names: short protein forms T1416A.
Identifiers: ClinVar variation 213409 (VCV000213409.47), dbSNP rs200837433, ClinGen allele CA320889.